The following is an entry in ClinVar:

NM_013319.3(UBIAD1):c.*467G>A

Gene: UBIAD1 (UbiA prenyltransferase domain containing 1; plus strand). Cytogenetic location: 1p36.22.
Variant type: single nucleotide variant.
Coding change: c.*467G>A on transcript NM_013319.3 (MANE Select); 467 bases downstream of the stop codon, G replaced by A.
Molecular consequence: 3 prime UTR variant. On other transcripts: intron variant (2).
Genome position (GRCh38, 1-based): chr1:11,286,598, G>A. VCF-style: chr1-11286598-G-A. GRCh37 (hg19) VCF-style: chr1-11346655-G-A.
Other names: c.618+866G>A (NM_001330349.2); c.530-8275G>A (NM_001330350.2).
Identifiers: ClinVar variation 876001 (VCV000876001.4), dbSNP rs112285480, ClinGen allele CA18416975.

ClinVar aggregate classification (germline): Benign (1 of 4 stars; one submission).

Conditions:
Schnyder crystalline corneal dystrophy (SCCD). Also called: Crystalline corneal dystrophy; Schnyder corneal dystrophy. Identifiers: Orphanet 98967, MedGen C0271287, MONDO:0007374, OMIM 121800.

Allele frequency attached by ClinVar (database versions not stated): 1000 Genomes Project 30x 0.00094; 1000 Genomes Project 0.00100; gnomAD 0.00211 and 0.00235; gnomAD exomes 0.00010; TOPMed 0.00230.
gnomAD v4.1: 327 of 222,404 alleles (0.15%); highest among the groups gnomAD compares: African/African-American, 0.68%; 2 homozygotes.

Submission:

Illumina Laboratory Services, Illumina
Classification: Benign for Schnyder crystalline corneal dystrophy. Last evaluated: 2018-01-13. Review status: criteria provided, single submitter. Criteria: ICSL Variant Classification Criteria 13 December 2019. Collection method: clinical testing. Allele origin: germline.
Comment: This variant was observed in the ICSL laboratory as part of a predisposition screen in an ostensibly healthy population. It had not been previously curated by ICSL or reported in the Human Gene Mutation Database (HGMD: prior to June 1st, 2018), and was therefore a candidate for classification through an automated scoring system. Utilizing variant allele frequency, disease prevalence and penetrance estimates, and inheritance mode, an automated score was calculated to assess if this variant is too frequent to cause the disease. Based on the score and internal cut-off values, a variant classified as benign is not then subjected to further curation. The score for this variant resulted in a classification of benign for this disease.